The following is an entry in ClinVar:

NM_000520.6(HEXA):c.1238G>A (p.Arg413Gln)

Gene: HEXA (hexosaminidase subunit alpha; minus strand). Cytogenetic location: 15q23.
Variant type: single nucleotide variant.
Coding change: c.1238G>A on transcript NM_000520.6 (MANE Select); coding-DNA position 1238, G replaced by A.
Protein change: p.Arg413Gln; replaces arginine 413 with glutamine.
Molecular consequence: missense variant.
Genome position (GRCh38, 1-based): chr15:72,346,619, C>T on the plus strand (G>A on the coding strand, the complement: HEXA is on the minus strand). VCF-style: chr15-72346619-C-T. GRCh37 (hg19) VCF-style: chr15-72638960-C-T.
Other names: c.1271G>A, p.Arg424Gln (NM_001318825.2); short protein forms R424Q, R413Q.
Identifiers: ClinVar variation 2168887 (VCV002168887.1), dbSNP rs766988109, ClinGen allele CA7644750.

ClinVar aggregate classification (germline): Uncertain significance (1 of 4 stars; one submission).

Conditions:
Tay-Sachs disease (TSD). Also called: GM2 gangliosidosis, type 1; Hexosaminidase alpha-subunit deficiency (variant B); Sphingolipidosis, Tay-Sachs; Hexosaminidase A Deficiency; HEXA DEFICIENCY; HEXA Disorders. Identifiers: Orphanet 845, MedGen C0039373, MONDO:0010100, OMIM 272800.

gnomAD v4.1: 13 of 1,614,022 alleles (0.00081%); highest among the groups gnomAD compares: Admixed American, 0.0017%; 1 homozygote.

Submission:

Labcorp Genetics (formerly Invitae), Labcorp
Classification: Uncertain significance for Tay-Sachs disease. Last evaluated: 2022-10-17. Review status: criteria provided, single submitter. Criteria: Invitae Variant Classification Sherloc (09022015). Collection method: clinical testing. Allele origin: germline.
Comment: This sequence change replaces arginine, which is basic and polar, with glutamine, which is neutral and polar, at codon 413 of the HEXA protein (p.Arg413Gln). This variant is present in population databases (rs766988109, gnomAD 0.003%). This variant has not been reported in the literature in individuals affected with HEXA-related conditions. Advanced modeling of protein sequence and biophysical properties (such as structural, functional, and spatial information, amino acid conservation, physicochemical variation, residue mobility, and thermodynamic stability) performed at Invitae indicates that this missense variant is not expected to disrupt HEXA protein function. In summary, the available evidence is currently insufficient to determine the role of this variant in disease. Therefore, it has been classified as a Variant of Uncertain Significance.